The following is an entry in ClinVar:

NM_000465.4(BARD1):c.964C>G (p.Arg322Gly)

Gene: BARD1 (BRCA1 associated RING domain 1; minus strand). Cytogenetic location: 2q35.
Variant type: single nucleotide variant.
Coding change: c.964C>G on transcript NM_000465.4 (MANE Select); coding-DNA position 964, C replaced by G.
Protein change: p.Arg322Gly; replaces arginine 322 with glycine.
Molecular consequence: missense variant. On other transcripts: non-coding transcript variant (2), intron variant (3).
Genome position (GRCh38, 1-based): chr2:214,780,910, G>C on the plus strand (C>G on the coding strand, the complement: BARD1 is on the minus strand). VCF-style: chr2-214780910-G-C. GRCh37 (hg19) VCF-style: chr2-215645634-G-C.
Other names: c.907C>G, p.Arg303Gly (NM_001282543.2); c.159-28355C>G (NM_001282548.2); c.215+16151C>G (NM_001282545.2); c.364+11387C>G (NM_001282549.2); short protein forms R303G, R322G.
Identifiers: ClinVar variation 1378324 (VCV001378324.7), dbSNP rs786203129, ClinGen allele CA350454680.

ClinVar aggregate classification (germline): Uncertain significance (1 of 4 stars; one submission).

Conditions:
Familial cancer of breast. Also called: Hereditary breast cancer; BREAST CANCER, FAMILIAL; hereditary breast carcinoma. Identifiers: Orphanet 227535, MedGen C0346153, MONDO:0016419, OMIM 114480. Disease mechanism: loss of function.

Submission:

Labcorp Genetics (formerly Invitae), Labcorp
Classification: Uncertain significance for Familial cancer of breast. Last evaluated: 2022-01-23. Review status: criteria provided, single submitter. Criteria: Invitae Variant Classification Sherloc (09022015). Collection method: clinical testing. Allele origin: germline.
Comment: In summary, the available evidence is currently insufficient to determine the role of this variant in disease. Therefore, it has been classified as a Variant of Uncertain Significance. Algorithms developed to predict the effect of missense changes on protein structure and function are either unavailable or do not agree on the potential impact of this missense change (SIFT: "Deleterious"; PolyPhen-2: "Possibly Damaging"; Align-GVGD: "Class C0"). This variant has not been reported in the literature in individuals affected with BARD1-related conditions. This variant is not present in population databases (gnomAD no frequency). This sequence change replaces arginine, which is basic and polar, with glycine, which is neutral and non-polar, at codon 322 of the BARD1 protein (p.Arg322Gly).